The following is an entry in ClinVar:

ClinVar aggregate classification (germline): Uncertain significance (1 of 4 stars; one submission).

Submission:

Labcorp Genetics (formerly Invitae), Labcorp
Classification: Uncertain significance. Last evaluated: 2024-03-16. Review status: criteria provided, single submitter. Criteria: Invitae Variant Classification Sherloc (09022015). Collection method: clinical testing. Allele origin: germline.
Comment: This sequence change creates a premature translational stop signal (p.Met1701Asnfs*12) in the TET2 gene. While this is not anticipated to result in nonsense mediated decay, it is expected to disrupt the last 302 amino acid(s) of the TET2 protein. This variant is not present in population databases (gnomAD no frequency). This variant has not been reported in the literature in individuals affected with TET2-related conditions. Experimental studies and prediction algorithms are not available or were not evaluated, and the functional significance of this variant is currently unknown. In summary, the available evidence is currently insufficient to determine the role of this variant in disease. Therefore, it has been classified as a Variant of Uncertain Significance.

NM_001127208.3(TET2):c.5101dup (p.Met1701fs)

Genes: TET2 (tet methylcytosine dioxygenase 2; plus strand), TET2-AS1 (TET2 antisense RNA 1; minus strand). Cytogenetic location: 4q24.
Variant type: Duplication.
Coding change: c.5101dup on transcript NM_001127208.3 (MANE Select); coding-DNA position 5101, one base duplicated (A; older notation c.5101dupA).
Protein change: p.Met1701fs; shifts the reading frame from methionine 1701.
Molecular consequence: frameshift variant.
Genome position (GRCh38, 1-based): chr4:105,275,611, A duplicated. VCF-style (leftmost placement, unchanged base first): chr4-105275610-T-TA. GRCh37 (hg19) VCF-style: chr4-106196767-T-TA.
Other names: short protein forms M1701fs.
Identifiers: ClinVar variation 3646396 (VCV003646396.2).